The following is an entry in ClinVar:

NM_000238.4(KCNH2):c.2536C>G (p.Pro846Ala)

Gene: KCNH2 (potassium voltage-gated channel subfamily H member 2; minus strand). Cytogenetic location: 7q36.1.
Variant type: single nucleotide variant.
Coding change: c.2536C>G on transcript NM_000238.4 (MANE Select); coding-DNA position 2536, C replaced by G.
Protein change: p.Pro846Ala; replaces proline 846 with alanine.
Molecular consequence: missense variant.
Genome position (GRCh38, 1-based): chr7:150,948,912, G>C on the plus strand (C>G on the coding strand, the complement: KCNH2 is on the minus strand). VCF-style: chr7-150948912-G-C. GRCh37 (hg19) VCF-style: chr7-150646000-G-C.
Other names: c.1516C>G, p.Pro506Ala (NM_172057.3); short protein forms P506A, P846A.
Identifiers: ClinVar variation 161254 (VCV000161254.2), dbSNP rs199473006, ClinGen allele CA006908.
Genomic context (GRCh38, chr7:150,948,912, plus strand): 5'-TCACATCTCGCAGGTTGAAGGTGATCTCCAGGCTGGACCAGAAGTGGTCGGAGAACTCAG[G>C]GTACATGTCCAGCACCTCCAGCAGGTCGTCCCGATGGATCTTGTGTAGGTCACAGTAGGT-3'
Protein context (NP_000229.1, residues 836-856): DDLLEVLDMY[Pro846Ala]EFSDHFWSSL

ClinVar aggregate classification (germline): Uncertain significance (0 of 4 stars; one submission).

Conditions:
Long QT syndrome 2 (LQT2). Identifiers: Orphanet 101016, Orphanet 768, MedGen C3150943, MONDO:0013367, OMIM 613688.

Allele frequency attached by ClinVar (database versions not stated): TOPMed below 0.00001; ESP Exome Variant Server 0.00008.

Submission:

CSER _CC_NCGL, University of Washington
Classification: Uncertain significance for Long QT syndrome 2. Last evaluated: 2014-06-01. Review status: no assertion criteria provided. Collection method: research. Allele origin: germline. Inheritance: Autosomal dominant inheritance. Study: ESP 6500 variant annotation.
Comment: Variants classified for the Actionable exomic incidental findings in 6503 participants: challenges of variant classification manuscript